The following is an entry in ClinVar:

ClinVar aggregate classification (germline): Uncertain significance. Review status: criteria provided, single submitter (1 of 4 stars). 2 submissions from 2 submitters: Uncertain significance (1). 1 of the submissions does not count toward it. Last evaluated 2021-09-01.

Conditions:
Carnitine palmitoyl transferase 1A deficiency. Also called: CPT deficiency, hepatic, type IA; Carnitine palmitoyltransferase 1A deficiency; Carnitine palmitoyltransferase type I deficiency; CPT I DEFICIENCY; CPT DEFICIENCY, HEPATIC, TYPE I. Identifiers: Orphanet 156, MedGen C1829703, MONDO:0009705, OMIM 255120.

Allele frequency attached by ClinVar (database versions not stated): TOPMed 0.00001.
gnomAD v4.1: 37 of 1,614,048 alleles (0.0023%); highest among the groups gnomAD compares: Non-Finnish European, 0.0031%; no homozygotes.

Submissions (2):

Labcorp Genetics (formerly Invitae), Labcorp
Classification: Uncertain significance for Carnitine palmitoyl transferase 1A deficiency. Last evaluated: 2021-09-01. Review status: criteria provided, single submitter. Criteria: Invitae Variant Classification Sherloc (09022015). Collection method: clinical testing. Allele origin: germline.
Comment: This sequence change replaces serine with isoleucine at codon 565 of the CPT1A protein (p.Ser565Ile). The serine residue is highly conserved and there is a large physicochemical difference between serine and isoleucine. This variant is not present in population databases (ExAC no frequency). This variant has not been reported in the literature in individuals affected with CPT1A-related conditions. Algorithms developed to predict the effect of missense changes on protein structure and function are either unavailable or do not agree on the potential impact of this missense change (SIFT: "Deleterious"; PolyPhen-2: "Probably Damaging"; Align-GVGD: "Class C0"). In summary, the available evidence is currently insufficient to determine the role of this variant in disease. Therefore, it has been classified as a Variant of Uncertain Significance.

Natera, Inc.
Classification: Uncertain significance for Carnitine palmitoyltransferase type I deficiency. Last evaluated: 2021-02-04. Review status: no assertion criteria provided. Collection method: clinical testing. Allele origin: germline. Not counted in ClinVar's aggregate classification.

NM_001876.4(CPT1A):c.1694G>T (p.Ser565Ile)

Gene: CPT1A (carnitine palmitoyltransferase 1A; minus strand). Cytogenetic location: 11q13.3.
Variant type: single nucleotide variant.
Coding change: c.1694G>T on transcript NM_001876.4 (MANE Select); coding-DNA position 1694, G replaced by T.
Protein change: p.Ser565Ile; replaces serine 565 with isoleucine.
Molecular consequence: missense variant.
Genome position (GRCh38, 1-based): chr11:68,773,311, C>A on the plus strand (G>T on the coding strand, the complement: CPT1A is on the minus strand). VCF-style: chr11-68773311-C-A. GRCh37 (hg19) VCF-style: chr11-68540779-C-A.
Other names: c.1694G>T, p.Ser565Ile (NM_001031847.3); short protein forms S565I.
Identifiers: ClinVar variation 940707 (VCV000940707.10), dbSNP rs200826577, ClinGen allele CA223370724.